The following is an entry in ClinVar:

ClinVar aggregate classification (germline): Uncertain significance (1 of 4 stars; one submission).

Submission:

GeneDx
Classification: Uncertain significance. Last evaluated: 2023-11-19. Review status: criteria provided, single submitter. Criteria: GeneDx Variant Classification Process June 2021. Collection method: clinical testing. Allele origin: germline. Affected: yes.
Comment: Not observed at significant frequency in large population cohorts (gnomAD); In silico analysis supports that this missense variant does not alter protein structure/function; Has not been previously published as pathogenic or benign to our knowledge

NM_012310.5(KIF4A):c.388A>G (p.Ser130Gly)

Gene: KIF4A (kinesin family member 4A; plus strand). Cytogenetic location: Xq13.1.
Variant type: single nucleotide variant.
Coding change: c.388A>G on transcript NM_012310.5 (MANE Select); coding-DNA position 388, A replaced by G.
Protein change: p.Ser130Gly; replaces serine 130 with glycine.
Molecular consequence: missense variant.
Genome position (GRCh38, 1-based): chrX:70,297,150, A>G. VCF-style: chrX-70297150-A-G. GRCh37 (hg19) VCF-style: chrX-69517000-A-G.
Other names: short protein forms S130G.
Identifiers: ClinVar variation 3364693 (VCV003364693.1).